The following is an entry in ClinVar:

NM_017636.4(TRPM4):c.403C>T (p.Gln135Ter)

Gene: TRPM4 (transient receptor potential cation channel subfamily M member 4; plus strand). Cytogenetic location: 19q13.33.
Variant type: single nucleotide variant.
Coding change: c.403C>T on transcript NM_017636.4 (MANE Select); coding-DNA position 403, C replaced by T.
Protein change: p.Gln135Ter; replaces glutamine 135 with a stop codon.
Molecular consequence: nonsense. On other transcripts: intron variant (4).
Genome position (GRCh38, 1-based): chr19:49,168,052, C>T. VCF-style: chr19-49168052-C-T. GRCh37 (hg19) VCF-style: chr19-49671309-C-T.
Other names: c.403C>T, p.Gln135Ter (NM_001195227.2); c.-1105-208C>T (NM_001321282.2); c.268-501C>T (NM_001321281.2); c.-74-208C>T (NM_001321283.2); c.-237-501C>T (NM_001321285.2); short protein forms Q135*.
Identifiers: ClinVar variation 3713243 (VCV003713243.2).
Genomic context (GRCh38, chr19:49,168,052, plus strand): 5'-CCGAACCTGGTGGTGTCAGTGCTGGGGGGATCGGGGGGCCCCGTCCTCCAGACCTGGCTG[C>T]AGGACCTGCTGCGTCGTGGGCTGGTGCGGGCTGCCCAGAGCACAGGTGACCGAGGGTGGG-3'

ClinVar aggregate classification (germline): Uncertain significance (1 of 4 stars; one submission).

Conditions:
Progressive familial heart block type IB (PFHB1B). Identifiers: Orphanet 871, MedGen C1970298, MONDO:0011474, OMIM 604559.

Submission:

Labcorp Genetics (formerly Invitae), Labcorp
Classification: Uncertain significance for Progressive familial heart block type IB. Last evaluated: 2025-12-20. Review status: criteria provided, single submitter. Criteria: Invitae Variant Classification Sherloc (09022015). Collection method: clinical testing. Allele origin: germline.
Comment: This sequence change creates a premature translational stop signal (p.Gln135*) in the TRPM4 gene. It is expected to result in an absent or disrupted protein product. However, the current clinical and genetic evidence is not sufficient to establish whether loss-of-function variants in TRPM4 cause disease. This variant is not present in population databases (gnomAD no frequency). This variant has not been reported in the literature in individuals affected with TRPM4-related conditions. ClinVar contains an entry for this variant (Variation ID: 3713243). Algorithms developed to predict the effect of sequence changes on RNA splicing suggest that this variant may disrupt the consensus splice site. In summary, the available evidence is currently insufficient to determine the role of this variant in disease. Therefore, it has been classified as a Variant of Uncertain Significance.